The following is an entry in ClinVar:

ClinVar aggregate classification (germline): Likely benign (0 of 4 stars; one submission).

Conditions:
CSNK1G3-related disorder. Also called: CSNK1G3-related condition.

Allele frequency attached by ClinVar (database versions not stated): ESP Exome Variant Server 0.00100; 1000 Genomes Project 0.00160; 1000 Genomes Project 30x 0.00203; gnomAD exomes 0.00006; ExAC 0.00031; TOPMed 0.00073; gnomAD 0.00084.
gnomAD v4.1: 216 of 1,600,432 alleles (0.013%); highest among the groups gnomAD compares: African/African-American, 0.27%; no homozygotes.

Submission:

PreventionGenetics, part of Exact Sciences
Classification: Likely benign for CSNK1G3-related condition. Last evaluated: 2019-03-11. Review status: no assertion criteria provided. Collection method: clinical testing. Allele origin: germline.
Comment: This variant is classified as likely benign based on ACMG/AMP sequence variant interpretation guidelines (Richards et al. 2015 PMID: 25741868, with internal and published modifications).

NM_001364140.2(CSNK1G3):c.1186-4A>G

Gene: CSNK1G3 (casein kinase 1 gamma 3; plus strand). Cytogenetic location: 5q23.2.
Variant type: single nucleotide variant.
Coding change: c.1186-4A>G on transcript NM_001364140.2 (MANE Select); 4 bases into the intron before coding-DNA position 1186, A replaced by G.
Molecular consequence: intron variant.
Genome position (GRCh38, 1-based): chr5:123,604,720, A>G. VCF-style: chr5-123604720-A-G. GRCh37 (hg19) VCF-style: chr5-122940414-A-G.
Other names: c.1162-4A>G (NM_001364141.2, NM_001437482.1); c.1177-4A>G (NM_001437479.1); c.1165-4A>G (NM_001437481.1); c.1180-4A>G (NM_001437477.1); c.1090-4A>G (NM_001270572.2, NM_001364143.2); c.1183-4A>G (NM_001044723.3, NM_004384.5); c.1087-4A>G (NM_001031812.4); c.862-4A>G (NM_001364150.2, NM_001270573.2, NM_001364149.2); and 5 more.
Identifiers: ClinVar variation 3051962 (VCV003051962.2), dbSNP rs184548649, ClinGen allele CA3387744.